The following is an entry in ClinVar:

ClinVar aggregate classification (germline): Uncertain significance (1 of 4 stars; one submission).

Conditions:
Developmental and epileptic encephalopathy, 36 (DEE36). Also called: Epileptic encephalopathy, early infantile, 36; Congenital disorder of glycosylation, type Is; ALG13-CDG. Identifiers: Orphanet 324422, MedGen C4317295, MONDO:0010472, OMIM 300884.

Allele frequency attached by ClinVar (database versions not stated): ExAC 0.00001; gnomAD exomes 0.00001; TOPMed 0.00001; gnomAD 0.00002.
gnomAD v4.1: 13 of 1,208,093 alleles (0.0011%); highest among the groups gnomAD compares: Non-Finnish European, 0.0015%; no homozygotes.

Submission:

Labcorp Genetics (formerly Invitae), Labcorp
Classification: Uncertain significance for Developmental and epileptic encephalopathy, 36. Last evaluated: 2024-01-27. Review status: criteria provided, single submitter. Criteria: Invitae Variant Classification Sherloc (09022015). Collection method: clinical testing. Allele origin: germline.
Comment: This sequence change replaces histidine, which is basic and polar, with tyrosine, which is neutral and polar, at codon 121 of the ALG13 protein (p.His121Tyr). This variant is present in population databases (rs771783840, gnomAD 0.001%), including at least one homozygous and/or hemizygous individual. This variant has not been reported in the literature in individuals affected with ALG13-related conditions. Algorithms developed to predict the effect of missense changes on protein structure and function output the following: SIFT: "Not Available"; PolyPhen-2: "Possibly Damaging"; Align-GVGD: "Not Available". The tyrosine amino acid residue is found in multiple mammalian species, which suggests that this missense change does not adversely affect protein function. In summary, the available evidence is currently insufficient to determine the role of this variant in disease. Therefore, it has been classified as a Variant of Uncertain Significance.

NM_001099922.3(ALG13):c.361C>T (p.His121Tyr)

Gene: ALG13 (ALG13 UDP-N-acetylglucosaminyltransferase subunit; plus strand). Cytogenetic location: Xq23.
Variant type: single nucleotide variant.
Coding change: c.361C>T on transcript NM_001099922.3 (MANE Select); coding-DNA position 361, C replaced by T.
Protein change: p.His121Tyr; replaces histidine 121 with tyrosine.
Molecular consequence: missense variant. On other transcripts: non-coding transcript variant (3).
Genome position (GRCh38, 1-based): chrX:111,685,081, C>T. VCF-style: chrX-111685081-C-T. GRCh37 (hg19) VCF-style: chrX-110928309-C-T.
Other names: c.49C>T, p.His17Tyr (NM_001257234.2, NM_001257235.3, NM_001257237.2 and 6 more transcripts); c.127C>T, p.His43Tyr (NM_001257241.3, NM_001257231.2); c.367C>T, p.His123Tyr (NM_001324290.2); c.361C>T, p.His121Tyr (NM_001324292.2, NM_018466.6, NM_001168385.3); c.302C>T, p.Ser101Leu (NM_001039210.5); short protein forms H123Y, H17Y, S101L, H121Y, H43Y.
Identifiers: ClinVar variation 2737636 (VCV002737636.3), dbSNP rs771783840, ClinGen allele CA10493486.
Genomic context (GRCh38, chrX:111,685,081, plus strand): 5'-AACGAAAAGTTGATGAACAATCATCAGCTGGAACTGGCAAAGCAGCTACACAAAGAGGGT[C>T]ATCTCTTCTATTGTACCTGCAGGTATGCTAGAGACTGATTATTATTATCTCTTGCCTTAA-3'
Protein context (NP_001093392.1, residues 111-131): ELAKQLHKEG[His121Tyr]LFYCTCRVLT